The following is an entry in ClinVar:

ClinVar aggregate classification (germline): Likely pathogenic (1 of 4 stars; one submission).

Conditions:
Contractures, pterygia, and variable skeletal fusions syndrome 1B. Also called: CONTRACTURES, PTERYGIA, AND SPONDYLOCARPOTARSAL FUSION SYNDROME 1B. Identifiers: MedGen C5193114, MONDO:0020746, OMIM 618469.

Submission:

Victorian Clinical Genetics Services, Murdoch Childrens Research Institute
Classification: Likely pathogenic for Contractures, pterygia, and variable skeletal fusions syndrome 1B. Last evaluated: 2025-04-17. Review status: criteria provided, single submitter. Criteria: ACMG Guidelines, 2015. Collection method: clinical testing. Allele origin: germline. Affected: no.
Comment: This variant is classified as Likely pathogenic. Evidence in support of pathogenic classification: Canonical splice site variant without proven consequence on splicing (no functional evidence available); Variant is absent from gnomAD (v2, v3 and v4); Abnormal splicing is predicted by in silico tool and affected nucleotide is highly conserved. Additional information: This variant is heterozygous; This gene is associated with both recessive and dominant disease. Individuals with recessive CPSFS1B usually have a second hit in the 5' UTR region which affects splicing, and was regarded as a hypomorphic allele, however some cases without this variant have been reported (PMID: 35169139). Missense and inframe variants have been reported for dominant disease (PMID: 29805041, OMIM); Alternative nucleotide change(s) at the same canonical splice site, are present in gnomAD (Highest allele count v2: 1 heterozygote(s), 0 homozygote(s)) ; This variant has no previous evidence of pathogenicity; No published segregation evidence has been identified for this variant; No published functional evidence has been identified for this variant; No comparable splice region variants have previous evidence for pathogenicity; Loss of function is a known mechanism of disease in this gene and is associated with contractures, pterygia, and spondylocarpotarsal fusion syndrome 1B (CPSFS1B; MIM#618469). While functional studies support a loss of function mechanism for missense variants causing arthrogryposis, distal, type 2A (Freeman-Sheldon) (DA2A; MIM#193700), arthrogryposis, distal, type 2B (Sheldon-Hall) (DA2B; MIM#618436) or contractures, pterygia, and spondylocarpostarsal fusion syndrome 1A (CPSFS1A, MIM#178110), dominant negative has not been excluded as a mechanism (PMID: 26945064); Variants in this gene are known to have variable expressivity, with individuals with the same variant presenting with varying severity (PMID: 29805041).

Literature cited by the submitters: PubMed 29805041; PubMed 35169139; PubMed 26945064.

NM_002470.4(MYH3):c.3976-2A>C

Gene: MYH3 (myosin heavy chain 3; minus strand). Cytogenetic location: 17p13.1.
Variant type: single nucleotide variant.
Coding change: c.3976-2A>C on transcript NM_002470.4 (MANE Select); the canonical splice acceptor site of the intron before coding-DNA position 3976, A replaced by C.
Molecular consequence: splice acceptor variant.
Genome position (GRCh38, 1-based): chr17:10,635,565, T>G on the plus strand (A>C on the coding strand, the complement: MYH3 is on the minus strand). VCF-style: chr17-10635565-T-G. GRCh37 (hg19) VCF-style: chr17-10538882-T-G.
Identifiers: ClinVar variation 4531632 (VCV004531632.1).
Genomic context (GRCh38, chr17:10,635,565, plus strand): 5'-CGCAGCAGGTCACAGTCGTGGCGGGAGGACTGCAGGGCGTGCGCCAGGGCGTTCTTGGCC[T>G]GCAGAAGTTAAAAAGAGAAGAGCACCTGATATATTTAGTGCCAGGTGCATGATACAATCC-3'